The following is an entry in ClinVar:

ClinVar aggregate classification (germline): Uncertain significance. Review status: criteria provided, multiple submitters, no conflicts (2 of 4 stars). 2 submissions from 2 submitters: Uncertain significance (2). Last evaluated 2022-06-01.

Conditions:
Muscle AMP deaminase deficiency (MMDD). Also called: Myoadenylate deaminase deficiency, myopathy due to; AMPD1 DEFICIENCY; ADENOSINE MONOPHOSPHATE DEAMINASE-1 DEFICIENCY, MYOPATHY DUE TO; Adenosine monophosphate deaminase 1 deficiency; AMP deaminase 1 deficiency; Adenosine Monophosphate Deaminase 1. Identifiers: Orphanet 45, MedGen C3714933, MONDO:0014220, OMIM 615511.

gnomAD v4.1: 14 of 1,614,016 alleles (0.00087%); highest among the groups gnomAD compares: Admixed American, 0.0017%; no homozygotes.

Submissions (2):

Labcorp Genetics (formerly Invitae), Labcorp
Classification: Uncertain significance for Muscle AMP deaminase deficiency. Last evaluated: 2022-06-01. Review status: criteria provided, single submitter. Criteria: Invitae Variant Classification Sherloc (09022015). Collection method: clinical testing. Allele origin: germline.
Comment: This sequence change replaces arginine, which is basic and polar, with histidine, which is basic and polar, at codon 757 of the AMPD1 protein (p.Arg757His). This variant is present in population databases (no rsID available, gnomAD 0.007%). This variant has not been reported in the literature in individuals affected with AMPD1-related conditions. Algorithms developed to predict the effect of missense changes on protein structure and function (SIFT, PolyPhen-2, Align-GVGD) all suggest that this variant is likely to be disruptive. In summary, the available evidence is currently insufficient to determine the role of this variant in disease. Therefore, it has been classified as a Variant of Uncertain Significance.

Revvity Omics, Revvity
Classification: Uncertain significance for Muscle AMP deaminase deficiency. Last evaluated: 2020-03-13. Review status: criteria provided, single submitter. Criteria: ACMG Guidelines, 2015. Collection method: clinical testing. Allele origin: germline.

NM_000036.3(AMPD1):c.2171G>A (p.Arg724His)

Gene: AMPD1 (adenosine monophosphate deaminase 1; minus strand). Cytogenetic location: 1p13.2.
Variant type: single nucleotide variant.
Coding change: c.2171G>A on transcript NM_000036.3 (MANE Select); coding-DNA position 2171, G replaced by A.
Protein change: p.Arg724His; replaces arginine 724 with histidine.
Molecular consequence: missense variant.
Genome position (GRCh38, 1-based): chr1:114,673,187, C>T on the plus strand (G>A on the coding strand, the complement: AMPD1 is on the minus strand). VCF-style: chr1-114673187-C-T. GRCh37 (hg19) VCF-style: chr1-115215808-C-T.
Other names: c.2270G>A (NM_000036.2); c.2159G>A, p.Arg720His (NM_001172626.2); short protein forms R720H, R724H.
Identifiers: ClinVar variation 2180658 (VCV002180658.5), dbSNP rs146036570, ClinGen allele CA29051375.